The following is an entry in ClinVar:

NM_001048174.2(MUTYH):c.901G>C (p.Val301Leu)

Gene: MUTYH (mutY DNA glycosylase; minus strand). Cytogenetic location: 1p34.1.
Variant type: single nucleotide variant.
Coding change: c.901G>C on transcript NM_001048174.2 (MANE Select); coding-DNA position 901, G replaced by C.
Protein change: p.Val301Leu; replaces valine 301 with leucine.
Molecular consequence: missense variant. On other transcripts: non-coding transcript variant (2).
Genome position (GRCh38, 1-based): chr1:45,332,035, C>G on the plus strand (G>C on the coding strand, the complement: MUTYH is on the minus strand). VCF-style: chr1-45332035-C-G. GRCh37 (hg19) VCF-style: chr1-45797707-C-G.
Other names: c.901G>C, p.Val301Leu (NM_001048171.2, NM_001048173.2, NM_001293195.2); c.904G>C, p.Val302Leu (NM_001048172.2); c.985G>C, p.Val329Leu (NM_001128425.2); c.946G>C, p.Val316Leu (NM_001293190.2); c.934G>C, p.Val312Leu (NM_001293191.2); c.625G>C, p.Val209Leu (NM_001293192.2, NM_001293196.2); c.556G>C, p.Val186Leu (NM_001350650.2, NM_001350651.2); c.976G>C, p.Val326Leu (NM_012222.3); short protein forms V329L, V186L, V301L, V209L, V302L, V312L, V316L, V326L.
Identifiers: ClinVar variation 571576 (VCV000571576.8), dbSNP rs147718169, ClinGen allele CA340134044.

ClinVar aggregate classification (germline): Conflicting classifications of pathogenicity. Review status: criteria provided, conflicting classifications (1 of 4 stars). 3 submissions from 3 submitters: Uncertain significance (2); Benign (1). Last evaluated 2025-09-09.

Conditions:
Hereditary cancer-predisposing syndrome. Also called: Tumor predisposition; Neoplastic Syndromes, Hereditary; Hereditary neoplastic syndrome; Hereditary Cancer Syndrome. Identifiers: Orphanet 140162, MedGen C0027672, MeSH D009386, MONDO:0015356.
Familial adenomatous polyposis 2. Also called: MYH-associated polyposis; FAP type 2; COLORECTAL ADENOMATOUS POLYPOSIS, AUTOSOMAL RECESSIVE; ADENOMAS, MULTIPLE COLORECTAL, AUTOSOMAL RECESSIVE; MUTYH-related attenuated familial adenomatous polyposis; MUTYH Polyposis. Identifiers: Orphanet 220460, Orphanet 247798, MedGen C3272841, MONDO:0012041, OMIM 608456.

gnomAD v4.1: 3 of 1,614,232 alleles (0.00019%); highest among the groups gnomAD compares: African/African-American, 0.0013%; no homozygotes.

Submissions (3):

Ambry Genetics
Classification: Benign for Hereditary cancer-predisposing syndrome. Last evaluated: 2025-09-09. Review status: criteria provided, single submitter. Criteria: Ambry Variant Classification Scheme 2023. Collection method: clinical testing. Allele origin: germline.

All of Us Research Program, National Institutes of Health
Classification: Uncertain significance for Familial adenomatous polyposis 2. Last evaluated: 2023-11-02. Review status: criteria provided, single submitter. Criteria: ACMG Guidelines, 2015. Collection method: clinical testing. Allele origin: germline. Inheritance: Autosomal recessive inheritance. Observed: 1 variant allele, 1 heterozygote.
Comment: This missense variant replaces valine with leucine at codon 329 of the MUTYH protein. Computational prediction suggests that this variant may not impact protein structure and function (internally defined REVEL score threshold <= 0.5, PMID: 27666373). To our knowledge, functional studies have not been reported for this variant. This variant has not been reported in individuals affected with MUTYH-related disorders in the literature. This variant has not been identified in the general population by the Genome Aggregation Database (gnomAD). The available evidence is insufficient to determine the role of this variant in disease conclusively. Therefore, this variant is classified as a Variant of Uncertain Significance.

This study involves interpretation of variants in research participants for the purpose of population health screening. Participant phenotype was not available at the time of variant classification. Additional details can be found in publication PMID: 35346344, PMCID: PMC8962531

Labcorp Genetics (formerly Invitae), Labcorp
Classification: Uncertain significance for Familial adenomatous polyposis 2. Last evaluated: 2021-08-24. Review status: criteria provided, single submitter. Criteria: Invitae Variant Classification Sherloc (09022015). Collection method: clinical testing. Allele origin: germline.
Comment: This sequence change replaces valine with leucine at codon 329 of the MUTYH protein (p.Val329Leu). The valine residue is moderately conserved and there is a small physicochemical difference between valine and leucine. This variant is not present in population databases (ExAC no frequency). This variant has not been reported in the literature in individuals affected with MUTYH-related conditions. Algorithms developed to predict the effect of missense changes on protein structure and function (SIFT, PolyPhen-2, Align-GVGD) all suggest that this variant is likely to be tolerated. In summary, the available evidence is currently insufficient to determine the role of this variant in disease. Therefore, it has been classified as a Variant of Uncertain Significance.